The following is an entry in ClinVar:

NM_001349253.2(SCN11A):c.5116A>G (p.Met1706Val)

Gene: SCN11A (sodium voltage-gated channel alpha subunit 11; minus strand). Cytogenetic location: 3p22.2.
Variant type: single nucleotide variant.
Coding change: c.5116A>G on transcript NM_001349253.2 (MANE Select); coding-DNA position 5116, A replaced by G.
Protein change: p.Met1706Val; replaces methionine 1706 with valine.
Molecular consequence: missense variant.
Genome position (GRCh38, 1-based): chr3:38,846,954, T>C on the plus strand (A>G on the coding strand, the complement: SCN11A is on the minus strand). VCF-style: chr3-38846954-T-C. GRCh37 (hg19) VCF-style: chr3-38888445-T-C.
Other names: c.5116A>G, p.Met1706Val (NM_014139.3); short protein forms M1706V.
Identifiers: ClinVar variation 1017963 (VCV001017963.8), dbSNP rs770365703, ClinGen allele CA2321393.

ClinVar aggregate classification (germline): Uncertain significance. Review status: criteria provided, multiple submitters, no conflicts (2 of 4 stars). 3 submissions from 3 submitters: Uncertain significance (3). Last evaluated 2026-04-15.

Conditions:
Inborn genetic diseases. Identifiers: MedGen C0950123, MeSH D030342.
SCN11A-related disorder. Also called: SCN11A-related condition.
Hereditary sensory and autonomic neuropathy type 7. Also called: Neuropathy, hereditary sensory and autonomic, type VII; HSAN VII. Identifiers: Orphanet 391397, MedGen C3809882, MONDO:0014244, OMIM 615548.
Familial episodic pain syndrome with predominantly lower limb involvement. Also called: Episodic pain syndrome, familial, 3. Identifiers: Orphanet 391384, Orphanet 391392, MedGen C3809899, MONDO:0014247, OMIM 615552.

Allele frequency attached by ClinVar (database versions not stated): gnomAD exomes below 0.00001; ExAC 0.00001; gnomAD 0.00001; TOPMed 0.00001.

Submissions (3):

PreventionGenetics, part of Exact Sciences
Classification: Uncertain significance for SCN11A-related condition. Last evaluated: 2026-04-15. Review status: criteria provided, single submitter. Criteria: ACMG Guidelines, 2015. Collection method: clinical testing. Allele origin: germline.
Comment: The SCN11A c.5116A>G variant is predicted to result in the amino acid substitution p.Met1706Val. To our knowledge, this variant has not been reported in the literature. This variant is reported in 0.00088% of alleles in individuals of European (Non-Finnish) descent in gnomAD. At this time, the clinical significance of this variant is uncertain due to the absence of conclusive functional and genetic evidence.

Labcorp Genetics (formerly Invitae), Labcorp
Classification: Uncertain significance for Familial episodic pain syndrome with predominantly lower limb involvement; Hereditary sensory and autonomic neuropathy type 7. Last evaluated: 2022-08-18. Review status: criteria provided, single submitter. Criteria: Invitae Variant Classification Sherloc (09022015). Collection method: clinical testing. Allele origin: germline.
Comment: This sequence change replaces methionine, which is neutral and non-polar, with valine, which is neutral and non-polar, at codon 1706 of the SCN11A protein (p.Met1706Val). This variant is present in population databases (rs770365703, gnomAD 0.0009%). This variant has not been reported in the literature in individuals affected with SCN11A-related conditions. ClinVar contains an entry for this variant (Variation ID: 1017963). Algorithms developed to predict the effect of missense changes on protein structure and function output the following: SIFT: "Deleterious"; PolyPhen-2: "Benign"; Align-GVGD: "Class C0". The valine amino acid residue is found in multiple mammalian species, which suggests that this missense change does not adversely affect protein function. In summary, the available evidence is currently insufficient to determine the role of this variant in disease. Therefore, it has been classified as a Variant of Uncertain Significance.

Ambry Genetics
Classification: Uncertain significance for Inborn genetic diseases. Last evaluated: 2020-01-03. Review status: criteria provided, single submitter. Criteria: Ambry Variant Classification Scheme 2023. Collection method: clinical testing. Allele origin: germline.
Comment: The p.M1706V variant (also known as c.5116A>G), located in coding exon 26 of the SCN11A gene, results from an A to G substitution at nucleotide position 5116. The methionine at codon 1706 is replaced by valine, an amino acid with highly similar properties. This amino acid position is not well conserved in available vertebrate species. In addition, this alteration is predicted to be tolerated by in silico analysis. Since supporting evidence is limited at this time, the clinical significance of this alteration remains unclear.